The following is an entry in ClinVar:

NM_024757.5(EHMT1):c.678A>C (p.Glu226Asp)

Gene: EHMT1 (euchromatic histone lysine methyltransferase 1; plus strand). Cytogenetic location: 9q34.3.
Variant type: single nucleotide variant.
Coding change: c.678A>C on transcript NM_024757.5 (MANE Select); coding-DNA position 678, A replaced by C.
Protein change: p.Glu226Asp; replaces glutamic acid 226 with aspartic acid.
Molecular consequence: missense variant.
Genome position (GRCh38, 1-based): chr9:137,728,384, A>C. VCF-style: chr9-137728384-A-C. GRCh37 (hg19) VCF-style: chr9-140622836-A-C.
Other names: c.678A>C, p.Glu226Asp (NM_001145527.2, NM_001354263.2, NM_001354611.2); c.585A>C, p.Glu195Asp (NM_001354259.2, NM_001354612.2); short protein forms E195D, E226D.
Identifiers: ClinVar variation 1037953 (VCV001037953.9), dbSNP rs1946812433, ClinGen allele CA375771755.

ClinVar aggregate classification (germline): Uncertain significance (1 of 4 stars; one submission).

Conditions:
Kleefstra syndrome 1 (KLEFS1). Identifiers: Orphanet 261494, MedGen C0795833, MONDO:0027407, OMIM 610253.

Submission:

Labcorp Genetics (formerly Invitae), Labcorp
Classification: Uncertain significance for Kleefstra syndrome 1. Last evaluated: 2020-09-03. Review status: criteria provided, single submitter. Criteria: Invitae Variant Classification Sherloc (09022015). Collection method: clinical testing. Allele origin: germline.
Comment: In summary, the available evidence is currently insufficient to determine the role of this variant in disease. Therefore, it has been classified as a Variant of Uncertain Significance. Algorithms developed to predict the effect of missense changes on protein structure and function output the following: SIFT: "Tolerated"; PolyPhen-2: "Benign"; Align-GVGD: "Class C0". The aspartic acid amino acid residue is found in multiple mammalian species, suggesting that this missense change does not adversely affect protein function. These predictions have not been confirmed by published functional studies and their clinical significance is uncertain. This variant has not been reported in the literature in individuals with EHMT1-related conditions. This variant is not present in population databases (ExAC no frequency). This sequence change replaces glutamic acid with aspartic acid at codon 226 of the EHMT1 protein (p.Glu226Asp). The glutamic acid residue is weakly conserved and there is a small physicochemical difference between glutamic acid and aspartic acid.